The following is an entry in ClinVar:

NM_024757.5(EHMT1):c.1844A>G (p.Lys615Arg)

Gene: EHMT1 (euchromatic histone lysine methyltransferase 1; plus strand). Cytogenetic location: 9q34.3.
Variant type: single nucleotide variant.
Coding change: c.1844A>G on transcript NM_024757.5 (MANE Select); coding-DNA position 1844, A replaced by G.
Protein change: p.Lys615Arg; replaces lysine 615 with arginine.
Molecular consequence: missense variant.
Genome position (GRCh38, 1-based): chr9:137,776,670, A>G. VCF-style: chr9-137776670-A-G. GRCh37 (hg19) VCF-style: chr9-140671122-A-G.
Other names: c.1844A>G (NM_024757.4); c.1844A>G, p.Lys615Arg (NM_001145527.2); c.1751A>G, p.Lys584Arg (NM_001354259.2); c.1823A>G, p.Lys608Arg (NM_001354263.2); short protein forms K584R, K608R, K615R.
Identifiers: ClinVar variation 2833858 (VCV002833858.4), dbSNP rs1359047945, ClinGen allele CA375775898.

ClinVar aggregate classification (germline): Uncertain significance. Review status: criteria provided, multiple submitters, no conflicts (2 of 4 stars). 2 submissions from 2 submitters: Uncertain significance (2). Last evaluated 2026-09-10.

Conditions:
Kleefstra syndrome 1 (KLEFS1). Identifiers: Orphanet 261494, MedGen C0795833, MONDO:0027407, OMIM 610253.
Inborn genetic diseases. Identifiers: MedGen C0950123, MeSH D030342.

Allele frequency attached by ClinVar (database versions not stated): gnomAD 0.00001; gnomAD exomes 0.00001; TOPMed 0.00001.
gnomAD v4.1: 6 of 1,614,044 alleles (0.00037%); highest among the groups gnomAD compares: African/African-American, 0.0027%; no homozygotes.

Submissions (2):

Ambry Genetics
Classification: Uncertain significance for Inborn genetic diseases. Last evaluated: 2026-09-10. Review status: criteria provided, single submitter. Criteria: Ambry Variant Classification Scheme 2023. Collection method: clinical testing. Allele origin: germline.
Comment: The c.1844A>G (p.K615R) alteration is located in exon 12 (coding exon 12) of the EHMT1 gene. This alteration results from a A to G substitution at nucleotide position 1844, causing the lysine (K) at amino acid position 615 to be replaced by an arginine (R). Based on data from gnomAD, the G allele has an overall frequency of <0.001% (1/251490) total alleles studied. The highest observed frequency was 0.001% (1/113768) of European (non-Finnish) alleles. Based on insufficient or conflicting evidence, the clinical significance of this alteration remains unclear.

Labcorp Genetics (formerly Invitae), Labcorp
Classification: Uncertain significance for Kleefstra syndrome 1. Last evaluated: 2023-06-16. Review status: criteria provided, single submitter. Criteria: Invitae Variant Classification Sherloc (09022015). Collection method: clinical testing. Allele origin: germline.
Comment: This variant is present in population databases (no rsID available, gnomAD 0.0009%). This sequence change replaces lysine, which is basic and polar, with arginine, which is basic and polar, at codon 615 of the EHMT1 protein (p.Lys615Arg). This variant has not been reported in the literature in individuals affected with EHMT1-related conditions. In summary, the available evidence is currently insufficient to determine the role of this variant in disease. Therefore, it has been classified as a Variant of Uncertain Significance. Algorithms developed to predict the effect of sequence changes on RNA splicing suggest that this variant may create or strengthen a splice site. Advanced modeling of protein sequence and biophysical properties (such as structural, functional, and spatial information, amino acid conservation, physicochemical variation, residue mobility, and thermodynamic stability) performed at Invitae indicates that this missense variant is not expected to disrupt EHMT1 protein function.